The following is an entry in ClinVar:

NM_001330078.2(NRXN1):c.2421C>T (p.Asn807=)

Gene: NRXN1 (neurexin 1; minus strand). Cytogenetic location: 2p16.3.
Variant type: single nucleotide variant.
Coding change: c.2421C>T on transcript NM_001330078.2 (MANE Select); coding-DNA position 2421, C replaced by T.
Protein change: p.Asn807=; no amino-acid change (asparagine 807 retained).
Molecular consequence: synonymous variant.
Genome position (GRCh38, 1-based): chr2:50,506,571, G>A on the plus strand (C>T on the coding strand, the complement: NRXN1 is on the minus strand). VCF-style: chr2-50506571-G-A. GRCh37 (hg19) VCF-style: chr2-50733709-G-A.
Other names: p.N847N:AAC>AAT; c.2541C>T, p.Asn847= (NM_001135659.3); c.2397C>T, p.Asn799= (NM_001330077.2, NM_001330082.2); c.2355C>T, p.Asn785= (NM_001330083.2, NM_001330084.2); c.2394C>T, p.Asn798= (NM_001330085.2); c.2421C>T, p.Asn807= (NM_001330086.2, NM_004801.6); c.2310C>T, p.Asn770= (NM_001330087.2, NM_001330096.2); c.2340C>T, p.Asn780= (NM_001330088.2); and 3 more.
Identifiers: ClinVar variation 93591 (VCV000093591.29), dbSNP rs115211871, ClinGen allele CA147118.
Genomic context (GRCh38, chr2:50,506,571, plus strand): 5'-GTCATCCACTGTTAACTTTAAACTTTTTCCACGCCGAACTACACGCACTGTGTGCCACTC[G>A]TTATCATTGAGGTTATAGCCAGCAAAAAGAGTCTCGGGACCTTTGCCTGTAGAATATGCC-3'
Protein context (NP_001317007.1, residues 797-817): TLFAGYNLND[Asn807=]EWHTVRVVRR

ClinVar aggregate classification (germline): Benign/Likely benign. Review status: criteria provided, multiple submitters, no conflicts (2 of 4 stars). 10 submissions from 10 submitters: Benign (8); Likely benign (2). Last evaluated 2026-02-03.

Conditions:
Inborn genetic diseases. Identifiers: MedGen C0950123, MeSH D030342.
Pitt-Hopkins-like syndrome 2 (PTHSL2). Identifiers: Orphanet 221150, Orphanet 600663, MedGen C3280479, MONDO:0013690, OMIM 614325.

Allele frequency attached by ClinVar (database versions not stated): gnomAD exomes 0.00124 and 0.00049; 1000 Genomes Project 0.00519; gnomAD 0.00535 and 0.00492; 1000 Genomes Project 30x 0.00547; ESP Exome Variant Server 0.00553; ExAC 0.00156; TOPMed 0.00583.
gnomAD v4.1: 1,582 of 1,613,220 alleles (0.098%); highest among the groups gnomAD compares: African/African-American, 1.7%; 12 homozygotes.

Submissions (10):

Labcorp Genetics (formerly Invitae), Labcorp
Classification: Benign for Pitt-Hopkins-like syndrome 2. Last evaluated: 2026-02-03. Review status: criteria provided, single submitter. Criteria: Invitae Variant Classification Sherloc (09022015). Collection method: clinical testing. Allele origin: germline.

ARUP Laboratories, Molecular Genetics and Genomics, ARUP Laboratories
Classification: Benign. Last evaluated: 2024-06-28. Review status: criteria provided, single submitter. Criteria: ARUP Molecular Germline Variant Investigation Process 2024. Collection method: clinical testing. Allele origin: germline.

Illumina Laboratory Services, Illumina
Classification: Benign for Pitt-Hopkins-like syndrome 2. Last evaluated: 2018-01-12. Review status: criteria provided, single submitter. Criteria: ICSL Variant Classification Criteria 13 December 2019. Collection method: clinical testing. Allele origin: germline.
Comment: This variant was observed in the ICSL laboratory as part of a predisposition screen in an ostensibly healthy population. It had not been previously curated by ICSL or reported in the Human Gene Mutation Database (HGMD: prior to June 1st, 2018), and was therefore a candidate for classification through an automated scoring system. Utilizing variant allele frequency, disease prevalence and penetrance estimates, and inheritance mode, an automated score was calculated to assess if this variant is too frequent to cause the disease. Based on the score and internal cut-off values, a variant classified as benign is not then subjected to further curation. The score for this variant resulted in a classification of benign for this disease.

Athena Diagnostics
Classification: Benign. Last evaluated: 2017-01-13. Review status: criteria provided, single submitter. Criteria: Athena Diagnostics Criteria. Collection method: clinical testing. Allele origin: germline.

Ambry Genetics
Classification: Likely benign for Inborn genetic diseases. Last evaluated: 2016-04-21. Review status: criteria provided, single submitter. Criteria: Ambry Variant Classification Scheme 2023. Collection method: clinical testing. Allele origin: germline.

Genetic Services Laboratory, University of Chicago
Classification: Benign. Last evaluated: 2015-10-20. Review status: criteria provided, single submitter. Criteria: ACMG Guidelines, 2015. Collection method: clinical testing. Allele origin: germline. Affected: no.

GeneDx
Classification: Benign. Last evaluated: 2013-10-21. Review status: criteria provided, single submitter. Criteria: GeneDx Variant Classification (06012015). Collection method: clinical testing. Allele origin: germline. Affected: yes.
Comment: This variant is considered likely benign or benign based on one or more of the following criteria: it is a conservative change, it occurs at a poorly conserved position in the protein, it is predicted to be benign by multiple in silico algorithms, and/or has population frequency not consistent with disease.

Eurofins Ntd Llc (ga)
Classification: Benign. Last evaluated: 2012-12-14. Review status: criteria provided, single submitter. Criteria: EGL Classification Definitions 2015. Collection method: clinical testing. Allele origin: germline. Observed: 1 variant allele, 1 heterozygote.

Breakthrough Genomics
Classification: Likely benign. Review status: criteria provided, single submitter. Criteria: ACMG Guidelines, 2015. Collection method: not provided. Allele origin: germline. Inheritance: Autosomal recessive inheritance. Affected: yes.

PreventionGenetics, part of Exact Sciences
Classification: Benign. Review status: criteria provided, single submitter. Criteria: ACMG Guidelines, 2015. Collection method: clinical testing. Allele origin: germline.